The following is an entry in ClinVar:

NM_001127511.3(APC):c.113C>T (p.Thr38Met)

Gene: APC (APC regulator of Wnt signaling pathway; plus strand). Cytogenetic location: 5q22.2.
Variant type: single nucleotide variant.
Coding change: c.113C>T on transcript NM_001127511.3; coding-DNA position 113, C replaced by T.
Protein change: p.Thr38Met; replaces threonine 38 with methionine.
Molecular consequence: missense variant. On other transcripts: 5 prime UTR variant (8), non-coding transcript variant (1), intron variant (5).
Genome position (GRCh38, 1-based): chr5:112,707,830, C>T. VCF-style: chr5-112707830-C-T. GRCh37 (hg19) VCF-style: chr5-112043527-C-T.
Other names: c.-71C>T (NM_001354895.2, NM_001407447.1, NM_001407452.1 and 3 more transcripts); c.113C>T, p.Thr38Met (NM_001354897.2, NM_001354902.2, NM_001407446.1); c.-1106C>T (NM_001407470.1, NM_001407472.1); c.-19+181C>T (NM_001407448.1, NM_001407450.1, NM_001407457.1 and 1 more transcripts); c.-43+181C>T (NM_001407453.1); short protein forms T38M.
Identifiers: ClinVar variation 648997 (VCV000648997.11), dbSNP rs1484678720, ClinGen allele CA360612013.

ClinVar aggregate classification (germline): Uncertain significance (1 of 4 stars; one submission).

Conditions:
Familial adenomatous polyposis 1 (FAP1). Also called: FAMILIAL ADENOMATOUS POLYPOSIS 1, ATTENUATED; POLYPOSIS, ADENOMATOUS INTESTINAL. Identifiers: MedGen C2713442, MONDO:0021056, OMIM 175100. Disease mechanism: loss of function.

Allele frequency attached by ClinVar (database versions not stated): TOPMed 0.00001; gnomAD exomes 0.00002; gnomAD 0.00001.
gnomAD v4.1: 9 of 1,370,350 alleles (0.00066%); highest among the groups gnomAD compares: South Asian, 0.0037%; no homozygotes.

Submission:

Labcorp Genetics (formerly Invitae), Labcorp
Classification: Uncertain significance for Familial adenomatous polyposis 1. Last evaluated: 2026-01-21. Review status: criteria provided, single submitter. Criteria: Invitae Variant Classification Sherloc (09022015). Collection method: clinical testing. Allele origin: germline.
Comment: This variant occurs in a non-coding region of the APC gene. It does not change the encoded amino acid sequence of the APC protein. This variant is present in population databases (no rsID available, gnomAD 0.004%). This variant has not been reported in the literature in individuals affected with APC-related conditions. ClinVar contains an entry for this variant (Variation ID: 648997). Experimental studies and prediction algorithms are not available or were not evaluated, and the functional significance of this variant is currently unknown. In summary, the available evidence is currently insufficient to determine the role of this variant in disease. Therefore, it has been classified as a Variant of Uncertain Significance.